The following is an entry in ClinVar:

NM_002890.3(RASA1):c.2452_2453del (p.Ile818fs)

Genes: CCNH (cyclin H; minus strand), RASA1 (RAS p21 protein activator 1; plus strand). Cytogenetic location: 5q14.3.
Variant type: Deletion.
Coding change: c.2452_2453del on transcript NM_002890.3 (MANE Select); coding-DNA positions 2452 to 2453, 2 bases deleted (AT; older notation c.2452_2453delAT).
Protein change: p.Ile818fs; shifts the reading frame from isoleucine 818.
Molecular consequence: frameshift variant. On other transcripts: intron variant (1).
Genome position (GRCh38, 1-based): chr5:87,378,503-87,378,504, AT deleted; deleting any 2 consecutive bases within chr5:87,378,502-87,378,504 gives the same sequence; the c. name uses the placement nearest the transcript's 3' end. VCF-style (leftmost placement, unchanged base first): chr5-87378501-CTA-C. GRCh37 (hg19) VCF-style: chr5-86674318-CTA-C.
Other names: c.1921_1922del, p.Ile641fs (NM_022650.3); c.933+16541_933+16542del (NM_001364075.2); short protein forms I641fs, I818fs.
Identifiers: ClinVar variation 1033550 (VCV001033550.3), dbSNP rs1761473319, ClinGen allele CA1561595572.

ClinVar aggregate classification (germline): Likely pathogenic (1 of 4 stars; one submission).

Conditions:
Capillary malformation-arteriovenous malformation 1 (CMAVM1). Identifiers: Orphanet 137667, Orphanet 693907, MedGen C4747394, MONDO:0020783, OMIM 608354.

Submission:

Baylor Genetics
Classification: Likely pathogenic for Capillary malformation-arteriovenous malformation 1. Last evaluated: 2018-12-27. Review status: criteria provided, single submitter. Criteria: ACMG Guidelines, 2015. Collection method: clinical testing. Allele origin: maternal. Affected: yes.
Comment: This variant was determined to be likely pathogenic according to ACMG Guidelines, 2015 [PMID:25741868].